The following is an entry in ClinVar:

NM_053025.4(MYLK):c.1474G>A (p.Ala492Thr)

Gene: MYLK (myosin light chain kinase; minus strand). Cytogenetic location: 3q21.1.
Variant type: single nucleotide variant.
Coding change: c.1474G>A on transcript NM_053025.4 (MANE Select); coding-DNA position 1474, G replaced by A.
Protein change: p.Ala492Thr; replaces alanine 492 with threonine.
Molecular consequence: missense variant. On other transcripts: intron variant (2).
Genome position (GRCh38, 1-based): chr3:123,732,938, C>T on the plus strand (G>A on the coding strand, the complement: MYLK is on the minus strand). VCF-style: chr3-123732938-C-T. GRCh37 (hg19) VCF-style: chr3-123451785-C-T.
Other names: c.946G>A, p.Ala316Thr (NM_001321309.2); c.1474G>A, p.Ala492Thr (NM_053027.4); c.1309+749G>A (NM_053028.4, NM_053026.4); short protein forms A492T, A316T.
Identifiers: ClinVar variation 471702 (VCV000471702.37), dbSNP rs143010767, ClinGen allele CA067114.

ClinVar aggregate classification (germline): Conflicting classifications of pathogenicity. Review status: criteria provided, conflicting classifications (1 of 4 stars). 9 submissions from 9 submitters: Uncertain significance (2); Likely benign (6). 1 of the submissions does not count toward it. Last evaluated 2026-01-23.

Conditions:
MYLK-related disorder. Also called: MYLK-related condition.
Aortic aneurysm, familial thoracic 7 (AAT7). Also called: AORTIC DISSECTION, FAMILIAL, WITH OR WITHOUT AORTIC ANEURYSM. Identifiers: MedGen C3151077, MONDO:0013418, OMIM 613780.
Megacystis-microcolon-intestinal hypoperistalsis syndrome 1. Identifiers: MedGen C5542316, MONDO:0100354, OMIM 249210.
Familial thoracic aortic aneurysm and aortic dissection (TAAD). Also called: Thoracic aortic aneurysms and dissections. Identifiers: Orphanet 91387, MedGen C4707243, MONDO:0019625.
Connective tissue disorder. Also called: Connective tissue disease. Identifiers: MedGen C0009782, MONDO:0003900.

Allele frequency attached by ClinVar (database versions not stated): ExAC 0.00014; gnomAD exomes 0.00014 and 0.00019; ESP Exome Variant Server 0.00031; TOPMed 0.00034; gnomAD 0.00044 and 0.00048.
gnomAD v4.1: 348 of 1,614,044 alleles (0.022%); highest among the groups gnomAD compares: African/African-American, 0.093%; no homozygotes.

Submissions (9):

Labcorp Genetics (formerly Invitae), Labcorp
Classification: Likely benign for Aortic aneurysm, familial thoracic 7. Last evaluated: 2026-01-23. Review status: criteria provided, single submitter. Criteria: Invitae Variant Classification Sherloc (09022015). Collection method: clinical testing. Allele origin: germline.

Ambry Genetics
Classification: Likely benign for Familial thoracic aortic aneurysm and aortic dissection. Last evaluated: 2025-11-05. Review status: criteria provided, single submitter. Criteria: Ambry Variant Classification Scheme 2023. Collection method: clinical testing. Allele origin: germline.

CeGaT Center for Human Genetics Tuebingen
Classification: Likely benign. Last evaluated: 2025-02-01. Review status: criteria provided, single submitter. Criteria: CeGaT Center For Human Genetics Tuebingen Variant Classification Criteria Version 2. Collection method: clinical testing. Allele origin: germline. Affected: yes. Observed: 1 variant allele.
Comment: MYLK: BP4

Fulgent Genetics
Classification: Uncertain significance for Megacystis-microcolon-intestinal hypoperistalsis syndrome 1; Aortic aneurysm, familial thoracic 7. Last evaluated: 2024-06-18. Review status: criteria provided, single submitter. Criteria: ACMG Guidelines, 2015. Collection method: clinical testing. Allele origin: germline.

Women's Health and Genetics/Laboratory Corporation of America, LabCorp
Classification: Likely benign. Last evaluated: 2021-10-23. Review status: criteria provided, single submitter. Criteria: LabCorp Variant Classification Summary - May 2015. Collection method: clinical testing. Allele origin: germline.

GeneDx
Classification: Likely benign. Last evaluated: 2020-11-24. Review status: criteria provided, single submitter. Criteria: GeneDx Variant Classification Process June 2021. Collection method: clinical testing. Allele origin: germline. Affected: yes.

Center for Human Genetics, Inc
Classification: Likely benign for Connective tissue disorder. Last evaluated: 2018-06-01. Review status: criteria provided, single submitter. Criteria: ACMG Guidelines, 2015. Collection method: clinical testing. Allele origin: germline. Affected: yes.

CHEO Genetics Diagnostic Laboratory, Children's Hospital of Eastern Ontario
Classification: Uncertain significance for Familial thoracic aortic aneurysm and aortic dissection. Last evaluated: 2017-05-11. Review status: criteria provided, single submitter. Criteria: ACMG Guidelines, 2015. Collection method: clinical testing. Allele origin: germline. Study: Canadian Open Genetics Repository.

PreventionGenetics, part of Exact Sciences
Classification: Uncertain significance for MYLK-related condition. Last evaluated: 2024-03-28. Review status: no assertion criteria provided. Collection method: clinical testing. Allele origin: germline. Not counted in ClinVar's aggregate classification.
Comment: The MYLK c.1474G>A variant is predicted to result in the amino acid substitution p.Ala492Thr. To our knowledge, this variant has not been reported in the literature. This variant is reported in 0.10% of alleles in individuals of African descent in gnomAD. Although we suspect that this variant may be benign, at this time, the clinical significance of this variant is uncertain due to the absence of conclusive functional and genetic evidence.